The following is an entry in ClinVar:

ClinVar aggregate classification (germline): Uncertain significance. Review status: criteria provided, multiple submitters, no conflicts (2 of 4 stars). 2 submissions from 2 submitters: Uncertain significance (2). Last evaluated 2024-05-07.

Allele frequency attached by ClinVar (database versions not stated): ExAC 0.00001.
gnomAD v4.1: 8 of 1,614,040 alleles (0.0005%); highest among the groups gnomAD compares: Non-Finnish European, 0.00068%; no homozygotes.

Submissions (2):

Blueprint Genetics
Classification: Uncertain significance. Last evaluated: 2024-05-07. Review status: criteria provided, single submitter. Criteria: ACMG Guidelines, 2015. Collection method: clinical testing. Allele origin: germline.

Labcorp Genetics (formerly Invitae), Labcorp
Classification: Uncertain significance. Last evaluated: 2022-07-11. Review status: criteria provided, single submitter. Criteria: Invitae Variant Classification Sherloc (09022015). Collection method: clinical testing. Allele origin: germline.
Comment: This sequence change replaces serine, which is neutral and polar, with leucine, which is neutral and non-polar, at codon 107 of the EIF2B1 protein (p.Ser107Leu). This variant is present in population databases (rs764262014, gnomAD 0.002%). This variant has not been reported in the literature in individuals affected with EIF2B1-related conditions. Algorithms developed to predict the effect of missense changes on protein structure and function (SIFT, PolyPhen-2, Align-GVGD) all suggest that this variant is likely to be disruptive. In summary, the available evidence is currently insufficient to determine the role of this variant in disease. Therefore, it has been classified as a Variant of Uncertain Significance.

NM_001414.4(EIF2B1):c.320C>T (p.Ser107Leu)

Gene: EIF2B1 (eukaryotic translation initiation factor 2B subunit alpha; minus strand). Cytogenetic location: 12q24.31.
Variant type: single nucleotide variant.
Coding change: c.320C>T on transcript NM_001414.4 (MANE Select); coding-DNA position 320, C replaced by T.
Protein change: p.Ser107Leu; replaces serine 107 with leucine.
Molecular consequence: missense variant.
Genome position (GRCh38, 1-based): chr12:123,630,218, G>A on the plus strand (C>T on the coding strand, the complement: EIF2B1 is on the minus strand). VCF-style: chr12-123630218-G-A. GRCh37 (hg19) VCF-style: chr12-124114765-G-A.
Other names: short protein forms S107L.
Identifiers: ClinVar variation 1964945 (VCV001964945.3), dbSNP rs764262014, ClinGen allele CA6860180.